The following is an entry in ClinVar:

ClinVar aggregate classification (germline): Uncertain significance (1 of 4 stars; one submission).

Conditions:
MHC class I deficiency. Identifiers: Orphanet 34592, MedGen C6024714, MONDO:0011476.

gnomAD v4.1: 4 of 1,613,080 alleles (0.00025%); highest among the groups gnomAD compares: South Asian, 0.0011%; no homozygotes.

Submission:

Labcorp Genetics (formerly Invitae), Labcorp
Classification: Uncertain significance for MHC class I deficiency 1. Last evaluated: 2022-06-13. Review status: criteria provided, single submitter. Criteria: Invitae Variant Classification Sherloc (09022015). Collection method: clinical testing. Allele origin: germline.
Comment: This sequence change replaces valine, which is neutral and non-polar, with isoleucine, which is neutral and non-polar, at codon 336 of the TAP2 protein (p.Val336Ile). This variant is not present in population databases (gnomAD no frequency). This variant has not been reported in the literature in individuals affected with TAP2-related conditions. Algorithms developed to predict the effect of missense changes on protein structure and function output the following: SIFT: "Tolerated"; PolyPhen-2: "Not Available"; Align-GVGD: "Class C0". The isoleucine amino acid residue is found in multiple mammalian species, which suggests that this missense change does not adversely affect protein function. In summary, the available evidence is currently insufficient to determine the role of this variant in disease. Therefore, it has been classified as a Variant of Uncertain Significance.

NM_001290043.2(TAP2):c.1006G>A (p.Val336Ile)

Gene: TAP2 (transporter 2, ATP binding cassette subfamily B member; minus strand). Cytogenetic location: 6p21.32.
Variant type: single nucleotide variant.
Coding change: c.1006G>A on transcript NM_001290043.2 (MANE Select); coding-DNA position 1006, G replaced by A.
Protein change: p.Val336Ile; replaces valine 336 with isoleucine.
Molecular consequence: missense variant.
Genome position (GRCh38, 1-based): chr6:32,832,764, C>T on the plus strand (G>A on the coding strand, the complement: TAP2 is on the minus strand). VCF-style: chr6-32832764-C-T. GRCh37 (hg19) VCF-style: chr6-32800541-C-T.
Other names: c.1006G>A, p.Val336Ile (NM_000544.3, NM_018833.3); short protein forms V336I.
Identifiers: ClinVar variation 1517626 (VCV001517626.3), dbSNP rs1243600800, ClinGen allele CA363583370.